The following is an entry in ClinVar:

ClinVar aggregate classification (germline): Uncertain significance (1 of 4 stars; one submission).

Submission:

Labcorp Genetics (formerly Invitae), Labcorp
Classification: Uncertain significance. Last evaluated: 2022-10-17. Review status: criteria provided, single submitter. Criteria: Invitae Variant Classification Sherloc (09022015). Collection method: clinical testing. Allele origin: germline.
Comment: In summary, the available evidence is currently insufficient to determine the role of this variant in disease. Therefore, it has been classified as a Variant of Uncertain Significance. Algorithms developed to predict the effect of missense changes on protein structure and function (SIFT, PolyPhen-2, Align-GVGD) all suggest that this variant is likely to be tolerated. This variant has not been reported in the literature in individuals affected with FBXO11-related conditions. This variant is not present in population databases (gnomAD no frequency). This sequence change replaces asparagine, which is neutral and polar, with lysine, which is basic and polar, at codon 811 of the FBXO11 protein (p.Asn811Lys).

NM_001190274.2(FBXO11):c.2433T>A (p.Asn811Lys)

Genes: FBXO11 (F-box protein 11; minus strand), MSH6 (mutS homolog 6; plus strand). Cytogenetic location: 2p16.3.
Variant type: single nucleotide variant.
Coding change: c.2433T>A on transcript NM_001190274.2 (MANE Select); coding-DNA position 2433, T replaced by A.
Protein change: p.Asn811Lys; replaces asparagine 811 with lysine.
Molecular consequence: missense variant.
Genome position (GRCh38, 1-based): chr2:47,809,613, A>T on the plus strand (T>A on the coding strand, the complement: FBXO11 is on the minus strand). VCF-style: chr2-47809613-A-T. GRCh37 (hg19) VCF-style: chr2-48036752-A-T.
Other names: c.2181T>A, p.Asn727Lys (NM_001374325.1, NM_025133.4); short protein forms N811K, N727K.
Identifiers: ClinVar variation 2044387 (VCV002044387.4), dbSNP rs893463495, ClinGen allele CA346762654.